The following is an entry in ClinVar:

ClinVar aggregate classification (germline): Uncertain significance. Review status: criteria provided, multiple submitters, no conflicts (2 of 4 stars). 2 submissions from 2 submitters: Uncertain significance (2). Last evaluated 2024-06-09.

Conditions:
Tuberous sclerosis syndrome (TSC). Also called: Tuberous sclerosis; Tuberous Sclerosis Complex. Identifiers: Orphanet 805, MedGen C0041341, MONDO:0001734.
Tuberous sclerosis 2 (TSC2). Identifiers: Orphanet 805, MedGen C1860707, MONDO:0013199, OMIM 613254.

Submissions (2):

All of Us Research Program, National Institutes of Health
Classification: Uncertain significance for Tuberous sclerosis syndrome. Last evaluated: 2024-06-09. Review status: criteria provided, single submitter. Criteria: ACMG Guidelines, 2015. Collection method: clinical testing. Allele origin: germline. Inheritance: Autosomal dominant inheritance. Observed: 1 variant allele, 1 heterozygote.
Comment: This missense variant replaces valine with alanine at codon 1500 of the TSC2 protein. Computational prediction suggests that this variant may have deleterious impact on protein structure and function. To our knowledge, functional studies have not been reported for this variant. This variant has not been reported in individuals affected with TSC2-related disorders in the literature. This variant has not been identified in the general population by the Genome Aggregation Database (gnomAD). The available evidence is insufficient to determine the role of this variant in disease conclusively. Therefore, this variant is classified as a Variant of Uncertain Significance.

This study involves interpretation of variants in research participants for the purpose of population health screening. Participant phenotype was not available at the time of variant classification. Additional details can be found in publication PMID: 35346344, PMCID: PMC8962531

Labcorp Genetics (formerly Invitae), Labcorp
Classification: Uncertain significance for Tuberous sclerosis 2. Last evaluated: 2023-11-24. Review status: criteria provided, single submitter. Criteria: Invitae Variant Classification Sherloc (09022015). Collection method: clinical testing. Allele origin: germline.
Comment: This sequence change replaces valine, which is neutral and non-polar, with alanine, which is neutral and non-polar, at codon 1500 of the TSC2 protein (p.Val1500Ala). This variant is not present in population databases (gnomAD no frequency). This variant has not been reported in the literature in individuals affected with TSC2-related conditions. ClinVar contains an entry for this variant (Variation ID: 656915). Advanced modeling of protein sequence and biophysical properties (such as structural, functional, and spatial information, amino acid conservation, physicochemical variation, residue mobility, and thermodynamic stability) performed at Invitae indicates that this missense variant is not expected to disrupt TSC2 protein function with a negative predictive value of 95%. In summary, the available evidence is currently insufficient to determine the role of this variant in disease. Therefore, it has been classified as a Variant of Uncertain Significance.

NM_000548.5(TSC2):c.4499T>C (p.Val1500Ala)

Gene: TSC2 (TSC complex subunit 2; plus strand). Cytogenetic location: 16p13.3.
Variant type: single nucleotide variant.
Coding change: c.4499T>C on transcript NM_000548.5 (MANE Select); coding-DNA position 4499, T replaced by C.
Protein change: p.Val1500Ala; replaces valine 1500 with alanine.
Molecular consequence: missense variant.
Genome position (GRCh38, 1-based): chr16:2,084,956, T>C. VCF-style: chr16-2084956-T-C. GRCh37 (hg19) VCF-style: chr16-2134957-T-C.
Other names: c.4298T>C, p.Val1433Ala (NM_001077183.3); c.4430T>C, p.Val1477Ala (NM_001114382.3); c.4190T>C, p.Val1397Ala (NM_001318827.2); c.4154T>C, p.Val1385Ala (NM_001318829.2); c.3767T>C, p.Val1256Ala (NM_001318831.2); c.4331T>C, p.Val1444Ala (NM_001318832.2); c.4301T>C, p.Val1434Ala (NM_001363528.2); c.4367T>C, p.Val1456Ala (NM_001370404.1); and 1 more; short protein forms V1385A, V1397A, V1457A, V1477A, V1256A, V1500A, V1433A, V1434A.
Identifiers: ClinVar variation 656915 (VCV000656915.9), dbSNP rs45517347, ClinGen allele CA394302703.
Genomic context (GRCh38, chr16:2,084,956, plus strand): 5'-GTGGCTGCCCTGGCCAGGCCCTCACCTGGGTGCCCACCATCCCCTCCCTGTGCAGTTTCG[T>C]GTTCCTGCAGCTCTACCATTCCCCCTTCTTTGGCGACGAGTCAAACAAGCCAATCCTGCT-3'
Protein context (NP_000539.2, residues 1490-1510): EKVPGINPSF[Val1500Ala]FLQLYHSPFF